The following is an entry in ClinVar:

NM_001040272.6(ADAMTSL1):c.3935-10_3935-9del

Gene: ADAMTSL1 (ADAMTS like 1; plus strand). Cytogenetic location: 9p22.1.
Variant type: Deletion.
Coding change: c.3935-10_3935-9del on transcript NM_001040272.6 (MANE Select); 10 bases into the intron before coding-DNA position 3935 through 9 bases into the intron before coding-DNA position 3935, 2 bases deleted (TT; older notation c.3935-10_3935-9delTT).
Molecular consequence: intron variant.
Genome position (GRCh38, 1-based): chr9:18,826,274-18,826,275, TT deleted; deleting any 2 consecutive bases within chr9:18,826,264-18,826,275 gives the same sequence; the c. name uses the placement nearest the transcript's 3' end. VCF-style (leftmost placement, unchanged base first): chr9-18826263-GTT-G. GRCh37 (hg19) VCF-style: chr9-18826261-GTT-G.
Identifiers: ClinVar variation 3024710 (VCV003024710.22), dbSNP rs35525189, ClinGen allele CA4999912.
Genomic context (GRCh38, chr9:18,826,263, plus strand): 5'-AGAAGCTATAAATGCCTCTGGGCTCACCTGAATGTGTTTGACTGATGAGTGGGGTTTTTT[GTT>G]TTTTTTTTTTCTTCCTAGGAGTGCCTGAAGCTGAAGTCACTTGGTTCAGGAATAAAAGCA-3'

ClinVar aggregate classification (germline): Likely benign (1 of 4 stars; one submission).

Submission:

CeGaT Center for Human Genetics Tuebingen
Classification: Likely benign. Last evaluated: 2023-12-01. Review status: criteria provided, single submitter. Criteria: CeGaT Center For Human Genetics Tuebingen Variant Classification Criteria Version 2. Collection method: clinical testing. Allele origin: germline. Affected: yes. Observed: 1 variant allele.
Comment: ADAMTSL1: BS2